The following is an entry in ClinVar:

ClinVar aggregate classification (germline): Uncertain significance (1 of 4 stars; one submission).

Conditions:
Emery-Dreifuss muscular dystrophy 5, autosomal dominant (EDMD5). Also called: EMERY-DREIFUSS MUSCULAR DYSTROPHY 5. Identifiers: Orphanet 261, MedGen C2751805, MONDO:0013072, OMIM 612999.

Submission:

Labcorp Genetics (formerly Invitae), Labcorp
Classification: Uncertain significance for Emery-Dreifuss muscular dystrophy 5, autosomal dominant. Last evaluated: 2024-02-20. Review status: criteria provided, single submitter. Criteria: Invitae Variant Classification Sherloc (09022015). Collection method: clinical testing. Allele origin: germline.
Comment: This sequence change replaces histidine, which is basic and polar, with arginine, which is basic and polar, at codon 4239 of the SYNE2 protein (p.His4239Arg). This variant is not present in population databases (gnomAD no frequency). This variant has not been reported in the literature in individuals affected with SYNE2-related conditions. Algorithms developed to predict the effect of missense changes on protein structure and function output the following: SIFT: "Not Available"; PolyPhen-2: "Benign"; Align-GVGD: "Not Available". The arginine amino acid residue is found in multiple mammalian species, which suggests that this missense change does not adversely affect protein function. In summary, the available evidence is currently insufficient to determine the role of this variant in disease. Therefore, it has been classified as a Variant of Uncertain Significance.

NM_182914.3(SYNE2):c.12716A>G (p.His4239Arg)

Gene: SYNE2 (spectrin repeat containing nuclear envelope protein 2; plus strand). Cytogenetic location: 14q23.2.
Variant type: single nucleotide variant.
Coding change: c.12716A>G on transcript NM_182914.3 (MANE Select); coding-DNA position 12716, A replaced by G.
Protein change: p.His4239Arg; replaces histidine 4239 with arginine.
Molecular consequence: missense variant.
Genome position (GRCh38, 1-based): chr14:64,113,447, A>G. VCF-style: chr14-64113447-A-G. GRCh37 (hg19) VCF-style: chr14-64580165-A-G.
Other names: c.12716A>G, p.His4239Arg (NM_015180.6); short protein forms H4239R.
Identifiers: ClinVar variation 3688432 (VCV003688432.2).